The following is an entry in ClinVar:

ClinVar aggregate classification (germline): Uncertain significance (1 of 4 stars; one submission).

Conditions:
Glomerulopathy with fibronectin deposits 2 (GFND2). Identifiers: Orphanet 84090, MedGen C1866075, MONDO:0011165, OMIM 601894.

Submission:

MVZ Medizinische Genetik Mainz
Classification: Uncertain significance for Glomerulopathy with fibronectin deposits 2. Last evaluated: 2024-04-26. Review status: criteria provided, single submitter. Criteria: UK Practice Guidelines For Variant Classification V4 01 2020. Collection method: clinical testing. Allele origin: germline. Inheritance: Autosomal dominant inheritance. Affected: yes. Observed: 1 variant allele.
Comment: ACMG Criteria: PP3_MOD,PM2_SUP

NM_212482.4(FN1):c.1175A>C (p.Tyr392Ser)

Genes: FN1 (fibronectin 1; minus strand), LOC126806498 (CDK7 strongly-dependent group 2 enhancer GRCh37_chr2:216288045-216289244; plus strand). Cytogenetic location: 2q35.
Variant type: single nucleotide variant.
Coding change: c.1175A>C on transcript NM_212482.4 (MANE Select); coding-DNA position 1175, A replaced by C.
Protein change: p.Tyr392Ser; replaces tyrosine 392 with serine.
Molecular consequence: missense variant.
Genome position (GRCh38, 1-based): chr2:215,424,187, T>G on the plus strand (A>C on the coding strand, the complement: FN1 is on the minus strand). VCF-style: chr2-215424187-T-G. GRCh37 (hg19) VCF-style: chr2-216288910-T-G.
Other names: c.1175A>C, p.Tyr392Ser (NM_001365522.2, NM_001365523.2, NM_001365524.2 and 14 more transcripts); short protein forms Y392S.
Identifiers: ClinVar variation 3256684 (VCV003256684.1).